The following is an entry in ClinVar:

NM_001122955.4(BSCL2):c.1193C>G (p.Pro398Arg)

Genes: BSCL2 (BSCL2 lipid droplet biogenesis associated, seipin; minus strand), HNRNPUL2-BSCL2 (HNRNPUL2-BSCL2 readthrough (NMD candidate); minus strand). Cytogenetic location: 11q12.3.
Variant type: single nucleotide variant.
Coding change: c.1193C>G on transcript NM_001122955.4 (MANE Select); coding-DNA position 1193, C replaced by G.
Protein change: p.Pro398Arg; replaces proline 398 with arginine.
Molecular consequence: missense variant. On other transcripts: non-coding transcript variant (1).
Genome position (GRCh38, 1-based): chr11:62,690,653, G>C on the plus strand (C>G on the coding strand, the complement: BSCL2 is on the minus strand). VCF-style: chr11-62690653-G-C. GRCh37 (hg19) VCF-style: chr11-62458125-G-C.
Other names: c.1193C>G (NM_001122955.3); c.859C>G, p.Pro287Ala (NM_001130702.2); c.1199C>G, p.Pro400Arg (NM_001386027.1); c.1193C>G, p.Pro398Arg (NM_001386028.1); c.1001C>G, p.Pro334Arg (NM_032667.6); short protein forms P334R, P398R, P287A, P400R.
Identifiers: ClinVar variation 450639 (VCV000450639.35), dbSNP rs778931376, ClinGen allele CA6053298.

ClinVar aggregate classification (germline): Uncertain significance. Review status: criteria provided, multiple submitters, no conflicts (2 of 4 stars). 5 submissions from 5 submitters: Uncertain significance (5). Last evaluated 2026-07-01.

Conditions:
BSCL2-related disorder. Also called: BSCL2-related condition; BSCL2-Related Disorders.
Inborn genetic diseases. Identifiers: MedGen C0950123, MeSH D030342.
Charcot-Marie-Tooth disease type 2. Also called: Charcot-Marie-Tooth type 2. Identifiers: Orphanet 64746, MedGen C0270914, MONDO:0018993.

Allele frequency attached by ClinVar (database versions not stated): TOPMed below 0.00001; ExAC 0.00001; gnomAD exomes 0.00002 and 0.00003.
gnomAD v4.1: 40 of 1,613,900 alleles (0.0025%); highest among the groups gnomAD compares: Middle Eastern, 0.016%; no homozygotes.

Submissions (5):

CeGaT Center for Human Genetics Tuebingen
Classification: Uncertain significance. Last evaluated: 2026-07-01. Review status: criteria provided, single submitter. Criteria: CeGaT Center For Human Genetics Tuebingen Variant Classification Criteria Version 2. Collection method: clinical testing. Allele origin: germline. Affected: yes. Observed: 2 variant alleles.
Comment: BSCL2: PM2

PreventionGenetics, part of Exact Sciences
Classification: Uncertain significance for BSCL2-related condition. Last evaluated: 2025-11-18. Review status: criteria provided, single submitter. Criteria: ACMG Guidelines, 2015. Collection method: clinical testing. Allele origin: germline.
Comment: The BSCL2 c.1193C>G variant is predicted to result in the amino acid substitution p.Pro398Arg. This variant has been reported as a variant of uncertain significance in a large cohort study of individuals with dyslipidemias (Reported as c.1001C>G (p.Pro334Arg), Supp. Table 4 in Dron et al. 2020. PubMed ID: 32041611). This variant is reported in 0.0058% of alleles in individuals of Latino descent in gnomAD. At this time, the clinical significance of this variant is uncertain due to the absence of conclusive functional and genetic evidence.

Labcorp Genetics (formerly Invitae), Labcorp
Classification: Uncertain significance for Charcot-Marie-Tooth disease type 2. Last evaluated: 2025-11-03. Review status: criteria provided, single submitter. Criteria: Invitae Variant Classification Sherloc (09022015). Collection method: clinical testing. Allele origin: germline.
Comment: This sequence change replaces proline, which is neutral and non-polar, with arginine, which is basic and polar, at codon 334 of the BSCL2 protein (p.Pro334Arg). This variant is present in population databases (rs778931376, gnomAD 0.004%). This variant has not been reported in the literature in individuals affected with BSCL2-related conditions. ClinVar contains an entry for this variant (Variation ID: 450639). An algorithm developed to predict the effect of missense changes on protein structure and function (PolyPhen-2) suggests that this variant is likely to be tolerated. In summary, the available evidence is currently insufficient to determine the role of this variant in disease. Therefore, it has been classified as a Variant of Uncertain Significance.

Ambry Genetics
Classification: Uncertain significance for Inborn genetic diseases. Last evaluated: 2020-12-23. Review status: criteria provided, single submitter. Criteria: Ambry Variant Classification Scheme 2023. Collection method: clinical testing. Allele origin: germline.
Comment: The p.P334R variant (also known as c.1001C>G), located in coding exon 9 of the BSCL2 gene, results from a C to G substitution at nucleotide position 1001. The proline at codon 334 is replaced by arginine, an amino acid with dissimilar properties. This amino acid position is well conserved in available vertebrate species. In addition, this alteration is predicted to be deleterious by in silico analysis. Since supporting evidence is limited at this time, the clinical significance of this alteration remains unclear.

GeneDx
Classification: Uncertain significance. Last evaluated: 2017-07-20. Review status: criteria provided, single submitter. Criteria: GeneDx Variant Classification (06012015). Collection method: clinical testing. Allele origin: germline. Affected: yes.
Comment: A variant of uncertain significance has been identified in the BSCL2 gene. The P334R variant has not been published as a pathogenic variant, nor has it been reported as a benign variant to our knowledge. The P334R variant is not observed at a significant frequency in large population cohorts (Lek et al., 2016; 1000 Genomes Consortium et al., 2015; Exome Variant Server). The P334R variant is a non-conservative amino acid substitution, which is likely to impact secondary protein structure as these residues differ in polarity, charge, size and/or other properties. This substitution occurs at a position that is conserved in mammals. In silico analysis predicts this variant is probably damaging to the protein structure/function. Based on the currently available information, it is unclear whether this variant is a pathogenic variant or a rare benign variant.